The following is an entry in ClinVar:

NM_198503.5(KCNT2):c.1264C>T (p.Pro422Ser)

Gene: KCNT2 (potassium sodium-activated channel subfamily T member 2; minus strand). Cytogenetic location: 1q31.3.
Variant type: single nucleotide variant.
Coding change: c.1264C>T on transcript NM_198503.5 (MANE Select); coding-DNA position 1264, C replaced by T.
Protein change: p.Pro422Ser; replaces proline 422 with serine.
Molecular consequence: missense variant. On other transcripts: non-coding transcript variant (2).
Genome position (GRCh38, 1-based): chr1:196,398,593, G>A on the plus strand (C>T on the coding strand, the complement: KCNT2 is on the minus strand). VCF-style: chr1-196398593-G-A. GRCh37 (hg19) VCF-style: chr1-196367723-G-A.
Other names: c.1264C>T, p.Pro422Ser (NM_001287819.3, NM_001287820.3); short protein forms P422S.
Identifiers: ClinVar variation 1691136 (VCV001691136.2), dbSNP rs1328309959, ClinGen allele CA344081331.

ClinVar aggregate classification (germline): Uncertain significance (1 of 4 stars; one submission).

Submission:

GeneDx
Classification: Uncertain significance. Last evaluated: 2022-06-01. Review status: criteria provided, single submitter. Criteria: GeneDx Variant Classification Process June 2021. Collection method: clinical testing. Allele origin: germline. Affected: yes.
Comment: Not observed at significant frequency in large population cohorts (gnomAD); In silico analysis supports that this missense variant has a deleterious effect on protein structure/function; Has not been previously published as pathogenic or benign to our knowledge